The following is an entry in ClinVar:

ClinVar aggregate classification (germline): Likely benign (1 of 4 stars; one submission).

gnomAD v4.1: 4 of 1,614,136 alleles (0.00025%); highest among the groups gnomAD compares: Admixed American, 0.0017%; no homozygotes.

Submission:

CeGaT Center for Human Genetics Tuebingen
Classification: Likely benign. Last evaluated: 2024-10-01. Review status: criteria provided, single submitter. Criteria: CeGaT Center For Human Genetics Tuebingen Variant Classification Criteria Version 2. Collection method: clinical testing. Allele origin: germline. Affected: yes. Observed: 1 variant allele.
Comment: CKAP2L: BP4, BP7

NM_152515.5(CKAP2L):c.396A>G (p.Gly132=)

Gene: CKAP2L (cytoskeleton associated protein 2L; minus strand). Cytogenetic location: 2q14.1.
Variant type: single nucleotide variant.
Coding change: c.396A>G on transcript NM_152515.5 (MANE Select); coding-DNA position 396, A replaced by G.
Protein change: p.Gly132=; no amino-acid change (glycine 132 retained).
Molecular consequence: synonymous variant. On other transcripts: 5 prime UTR variant (1), non-coding transcript variant (1).
Genome position (GRCh38, 1-based): chr2:112,756,975, T>C on the plus strand (A>G on the coding strand, the complement: CKAP2L is on the minus strand). VCF-style: chr2-112756975-T-C. GRCh37 (hg19) VCF-style: chr2-113514552-T-C.
Other names: c.-100A>G (NM_001304361.2).
Identifiers: ClinVar variation 3389444 (VCV003389444.14).